The following is an entry in ClinVar:

ClinVar aggregate classification (germline): Uncertain significance. Review status: criteria provided, multiple submitters, no conflicts (2 of 4 stars). 3 submissions from 3 submitters: Uncertain significance (3). Last evaluated 2023-06-19.

Conditions:
Bethlem myopathy 1A. Also called: MYOPATHY, BENIGN CONGENITAL, WITH CONTRACTURES; Bethlem myopathy 1; Bethlem Muscular Dystrophy. Identifiers: Orphanet 610, MedGen CN029274, MONDO:0024530, OMIM 158810.

Allele frequency attached by ClinVar (database versions not stated): gnomAD 0.00001; gnomAD exomes 0.00002; TOPMed 0.00002; ExAC 0.00003.
gnomAD v4.1: 27 of 1,612,690 alleles (0.0017%); highest among the groups gnomAD compares: Non-Finnish European, 0.0023%; no homozygotes.

Submissions (3):

Labcorp Genetics (formerly Invitae), Labcorp
Classification: Uncertain significance for Bethlem myopathy 1A. Last evaluated: 2023-06-19. Review status: criteria provided, single submitter. Criteria: Invitae Variant Classification Sherloc (09022015). Collection method: clinical testing. Allele origin: germline.
Comment: This sequence change replaces alanine, which is neutral and non-polar, with valine, which is neutral and non-polar, at codon 889 of the COL6A1 protein (p.Ala889Val). This variant is present in population databases (rs760236780, gnomAD 0.003%). This variant has not been reported in the literature in individuals affected with COL6A1-related conditions. ClinVar contains an entry for this variant (Variation ID: 2440347). Advanced modeling of protein sequence and biophysical properties (such as structural, functional, and spatial information, amino acid conservation, physicochemical variation, residue mobility, and thermodynamic stability) performed at Invitae indicates that this missense variant is not expected to disrupt COL6A1 protein function. In summary, the available evidence is currently insufficient to determine the role of this variant in disease. Therefore, it has been classified as a Variant of Uncertain Significance.

GeneDx
Classification: Uncertain significance. Last evaluated: 2023-04-11. Review status: criteria provided, single submitter. Criteria: GeneDx Variant Classification Process June 2021. Collection method: clinical testing. Allele origin: germline. Affected: yes.
Comment: Not observed at significant frequency in large population cohorts (gnomAD); In silico analysis supports that this missense variant does not alter protein structure/function; Has not been previously published as pathogenic or benign to our knowledge

Revvity Omics, Revvity
Classification: Uncertain significance. Last evaluated: 2019-06-14. Review status: criteria provided, single submitter. Criteria: ACMG Guidelines, 2015. Collection method: clinical testing. Allele origin: germline.

NM_001848.3(COL6A1):c.2666C>T (p.Ala889Val)

Gene: COL6A1 (collagen type VI alpha 1 chain; plus strand). Cytogenetic location: 21q22.3.
Variant type: single nucleotide variant.
Coding change: c.2666C>T on transcript NM_001848.3 (MANE Select); coding-DNA position 2666, C replaced by T.
Protein change: p.Ala889Val; replaces alanine 889 with valine.
Molecular consequence: missense variant.
Genome position (GRCh38, 1-based): chr21:46,003,592, C>T. VCF-style: chr21-46003592-C-T. GRCh37 (hg19) VCF-style: chr21-47423506-C-T.
Other names: short protein forms A889V.
Identifiers: ClinVar variation 2440347 (VCV002440347.7), dbSNP rs760236780, ClinGen allele CA10070998.
Genomic context (GRCh38, chr21:46,003,592, plus strand): 5'-ACGACGTGCGGGTGGCGGTGGTGCAGTACAGCGGCACGGGCCAGCAGCGCCCAGAGCGGG[C>T]GTCGCTGCAGTTCCTGCAGAACTACACGGCCCTGGCCAGTGCCGTCGATGCCATGGACTT-3'
Protein context (NP_001839.2, residues 879-899): SGTGQQRPER[Ala889Val]SLQFLQNYTA